The following is an entry in ClinVar:

ClinVar aggregate classification (germline): Likely benign (1 of 4 stars; one submission).

Allele frequency attached by ClinVar (database versions not stated): ExAC 0.00032; gnomAD 0.00045.

Submission:

CeGaT Center for Human Genetics Tuebingen
Classification: Likely benign. Last evaluated: 2023-02-01. Review status: criteria provided, single submitter. Criteria: CeGaT Center For Human Genetics Tuebingen Variant Classification Criteria Version 2. Collection method: clinical testing. Allele origin: germline. Affected: yes. Observed: 2 variant alleles.
Comment: ZNF778: BS2

NM_001201407.2(ZNF778):c.*4635A>G

Gene: ZNF778 (zinc finger protein 778; plus strand). Cytogenetic location: 16q24.3.
Variant type: single nucleotide variant.
Coding change: c.*4635A>G on transcript NM_001201407.2 (MANE Select); 4635 bases downstream of the stop codon, A replaced by G.
Molecular consequence: 3 prime UTR variant. On other transcripts: non-coding transcript variant (1).
Genome position (GRCh38, 1-based): chr16:89,233,197, A>G. VCF-style: chr16-89233197-A-G. GRCh37 (hg19) VCF-style: chr16-89299605-A-G.
Other names: c.*4635A>G (NM_001378881.1, NM_182531.5).
Identifiers: ClinVar variation 2647053 (VCV002647053.24), dbSNP rs781491764, ClinGen allele CA8240769.